The following is an entry in ClinVar:

NM_014014.5(SNRNP200):c.4183G>A (p.Glu1395Lys)

Gene: SNRNP200 (small nuclear ribonucleoprotein U5 subunit 200; minus strand). Cytogenetic location: 2q11.2.
Variant type: single nucleotide variant.
Coding change: c.4183G>A on transcript NM_014014.5 (MANE Select); coding-DNA position 4183, G replaced by A.
Protein change: p.Glu1395Lys; replaces glutamic acid 1395 with lysine.
Molecular consequence: missense variant.
Genome position (GRCh38, 1-based): chr2:96,284,567, C>T on the plus strand (G>A on the coding strand, the complement: SNRNP200 is on the minus strand). VCF-style: chr2-96284567-C-T. GRCh37 (hg19) VCF-style: chr2-96950305-C-T.
Other names: c.4183G>A (NM_014014.4); short protein forms E1395K.
Identifiers: ClinVar variation 1004020 (VCV001004020.10), dbSNP rs2063830426, ClinGen allele CA347668396.
Genomic context (GRCh38, chr2:96,284,567, plus strand): 5'-CTGTGCTGGTCTCGCCTGTCAGGAGTACCACCTTCTTGTTGAGCCTGTCCTGGAACTTCT[C>T]GTACCAGTCCATGTATACCTGGCGGGCAGAGGAGGGAGGCAGAACAACACTAGGCCATAC-3'
Protein context (NP_054733.2, residues 1385-1405): LAEQVYMDWY[Glu1395Lys]KFQDRLNKKV

ClinVar aggregate classification (germline): Uncertain significance. Review status: criteria provided, multiple submitters, no conflicts (2 of 4 stars). 2 submissions from 2 submitters: Uncertain significance (2). Last evaluated 2024-06-03.

Conditions:
Inborn genetic diseases. Identifiers: MedGen C0950123, MeSH D030342.

Allele frequency attached by ClinVar (database versions not stated): TOPMed below 0.00001; gnomAD exomes 0.00001.
gnomAD v4.1: 11 of 1,613,782 alleles (0.00068%); highest among the groups gnomAD compares: South Asian, 0.0011%; no homozygotes.

Submissions (2):

Ambry Genetics
Classification: Uncertain significance for Inborn genetic diseases. Last evaluated: 2024-06-03. Review status: criteria provided, single submitter. Criteria: Ambry Variant Classification Scheme 2023. Collection method: clinical testing. Allele origin: germline.

Labcorp Genetics (formerly Invitae), Labcorp
Classification: Uncertain significance. Last evaluated: 2020-02-25. Review status: criteria provided, single submitter. Criteria: Invitae Variant Classification Sherloc (09022015). Collection method: clinical testing. Allele origin: germline.
Comment: In summary, the available evidence is currently insufficient to determine the role of this variant in disease. Therefore, it has been classified as a Variant of Uncertain Significance. Algorithms developed to predict the effect of missense changes on protein structure and function (SIFT, PolyPhen-2, Align-GVGD) all suggest that this variant is likely to be tolerated, but these predictions have not been confirmed by published functional studies and their clinical significance is uncertain. This variant has not been reported in the literature in individuals with SNRNP200-related conditions. This variant is not present in population databases (ExAC no frequency). This sequence change replaces glutamic acid with lysine at codon 1395 of the SNRNP200 protein (p.Glu1395Lys). The glutamic acid residue is moderately conserved and there is a small physicochemical difference between glutamic acid and lysine.